The following is an entry in ClinVar:

ClinVar aggregate classification (germline): Uncertain significance (1 of 4 stars; one submission).

gnomAD v4.1: 3 of 1,613,760 alleles (0.00019%); highest among the groups gnomAD compares: Non-Finnish European, 0.00025%; no homozygotes.

Submission:

GeneDx
Classification: Uncertain significance. Last evaluated: 2025-05-18. Review status: criteria provided, single submitter. Criteria: GeneDx Variant Classification Process June 2021. Collection method: clinical testing. Allele origin: germline. Affected: yes.
Comment: Not observed at significant frequency in large population cohorts (gnomAD); In silico analysis suggests that this missense variant does not alter protein structure/function; Has not been previously published as pathogenic or benign to our knowledge

NM_000812.4(GABRB1):c.1347A>G (p.Ile449Met)

Gene: GABRB1 (gamma-aminobutyric acid type A receptor subunit beta1; plus strand). Cytogenetic location: 4p12.
Variant type: single nucleotide variant.
Coding change: c.1347A>G on transcript NM_000812.4 (MANE Select); coding-DNA position 1347, A replaced by G.
Protein change: p.Ile449Met; replaces isoleucine 449 with methionine.
Molecular consequence: missense variant.
Genome position (GRCh38, 1-based): chr4:47,425,940, A>G. VCF-style: chr4-47425940-A-G. GRCh37 (hg19) VCF-style: chr4-47427957-A-G.
Other names: short protein forms I449M.
Identifiers: ClinVar variation 4530887 (VCV004530887.1).